The following is an entry in ClinVar:

ClinVar aggregate classification (germline): Uncertain significance. Review status: criteria provided, multiple submitters, no conflicts (2 of 4 stars). 2 submissions from 2 submitters: Uncertain significance (2). Last evaluated 2024-06-17.

Conditions:
Exudative vitreoretinopathy 4 (EVR4). Identifiers: Orphanet 891, MedGen C1866176, MONDO:0011151, OMIM 601813.
Osteoporosis with pseudoglioma (OPPG). Also called: osteoporosis-pseudoglioma syndrome. Identifiers: Orphanet 2788, MedGen C0432252, MONDO:0009820, OMIM 259770.
Autosomal dominant osteopetrosis 1 (OPTA1). Also called: OSTEOPETROSIS, AUTOSOMAL DOMINANT, TYPE I. Identifiers: Orphanet 2783, MedGen C1843330, MONDO:0011877, OMIM 607634.
Bone mineral density quantitative trait locus 1 (BMND1). Identifiers: MedGen C1866079, OMIM 601884.
Worth disease. Also called: Autosomal dominant osteosclerosis, Worth type; ENDOSTEAL HYPEROSTOSIS, AUTOSOMAL DOMINANT; OSTEOSCLEROSIS, AUTOSOMAL DOMINANT. Identifiers: Orphanet 2790, MedGen C0432273, MONDO:0007764, OMIM 144750.
Polycystic liver disease 4 with or without kidney cysts. Identifiers: MedGen C4693479, MONDO:0044327, OMIM 617875.

Allele frequency attached by ClinVar (database versions not stated): gnomAD exomes below 0.00001; ExAC 0.00001; TOPMed 0.00001; gnomAD 0.00003 and 0.00004.
gnomAD v4.1: 5 of 1,613,316 alleles (0.00031%); highest among the groups gnomAD compares: African/African-American, 0.0053%; no homozygotes.

Submissions (2):

Fulgent Genetics
Classification: Uncertain significance for Worth disease; Osteoporosis with pseudoglioma; Exudative vitreoretinopathy 4; Bone mineral density quantitative trait locus 1; Autosomal dominant osteopetrosis 1; Polycystic liver disease 4 with or without kidney cysts. Last evaluated: 2024-06-17. Review status: criteria provided, single submitter. Criteria: ACMG Guidelines, 2015. Collection method: clinical testing. Allele origin: germline.

Labcorp Genetics (formerly Invitae), Labcorp
Classification: Uncertain significance. Last evaluated: 2022-07-05. Review status: criteria provided, single submitter. Criteria: Invitae Variant Classification Sherloc (09022015). Collection method: clinical testing. Allele origin: germline.
Comment: This variant has not been reported in the literature in individuals affected with LRP5-related conditions. ClinVar contains an entry for this variant (Variation ID: 960904). Algorithms developed to predict the effect of missense changes on protein structure and function are either unavailable or do not agree on the potential impact of this missense change (SIFT: "Deleterious"; PolyPhen-2: "Probably Damaging"; Align-GVGD: "Class C0"). Algorithms developed to predict the effect of sequence changes on RNA splicing suggest that this variant may create or strengthen a splice site. In summary, the available evidence is currently insufficient to determine the role of this variant in disease. Therefore, it has been classified as a Variant of Uncertain Significance. This variant is present in population databases (rs770308939, gnomAD 0.009%). This sequence change replaces asparagine, which is neutral and polar, with serine, which is neutral and polar, at codon 39 of the LRP5 protein (p.Asn39Ser).

NM_002335.4(LRP5):c.116A>G (p.Asn39Ser)

Gene: LRP5 (LDL receptor related protein 5; plus strand). Cytogenetic location: 11q13.2.
Variant type: single nucleotide variant.
Coding change: c.116A>G on transcript NM_002335.4 (MANE Select); coding-DNA position 116, A replaced by G.
Protein change: p.Asn39Ser; replaces asparagine 39 with serine.
Molecular consequence: missense variant. On other transcripts: 5 prime UTR variant (1).
Genome position (GRCh38, 1-based): chr11:68,347,871, A>G. VCF-style: chr11-68347871-A-G. GRCh37 (hg19) VCF-style: chr11-68115339-A-G.
Other names: c.-1650A>G (NM_001291902.2); short protein forms N39S.
Identifiers: ClinVar variation 960904 (VCV000960904.9), dbSNP rs770308939, ClinGen allele CA6148909.